The following is an entry in ClinVar:

NM_002617.4(PEX10):c.-23C>T

Gene: PEX10 (peroxisomal biogenesis factor 10; minus strand). Cytogenetic location: 1p36.32.
Variant type: single nucleotide variant.
Coding change: c.-23C>T on transcript NM_002617.4 (MANE Select); 23 bases upstream of the start codon, C replaced by T.
Molecular consequence: 5 prime UTR variant. On other transcripts: intron variant (2).
Genome position (GRCh38, 1-based): chr1:2,412,525, G>A on the plus strand (C>T on the coding strand, the complement: PEX10 is on the minus strand). VCF-style: chr1-2412525-G-A. GRCh37 (hg19) VCF-style: chr1-2343964-G-A.
Other names: c.-23C>T (NM_001374425.1, NM_153818.2); c.-321+1072C>T (NM_001374427.1, NM_001374426.1).
Identifiers: ClinVar variation 4683450 (VCV004683450.1).

ClinVar aggregate classification (germline): Likely benign (1 of 4 stars; one submission).

Submission:

Mayo Clinic Laboratories, Mayo Clinic
Classification: Likely benign. Last evaluated: 2025-09-24. Review status: criteria provided, single submitter. Criteria: ACMG Guidelines, 2015. Collection method: clinical testing. Allele origin: germline. Observed: 1 variant allele.
Comment: BP4, BP7